The following is an entry in ClinVar:

ClinVar aggregate classification (germline): Uncertain significance (1 of 4 stars; one submission).

Conditions:
Combined immunodeficiency due to STK4 deficiency (IMD110). Also called: STK4 DEFICIENCY; MST1 DEFICIENCY; T-cell immunodeficiency, recurrent infections, and autoimmunity with or without cardiac malformations. Identifiers: Orphanet 314689, MedGen C3553943, MONDO:0013934, OMIM 614868.

Submission:

Labcorp Genetics (formerly Invitae), Labcorp
Classification: Uncertain significance for Combined immunodeficiency due to STK4 deficiency. Last evaluated: 2024-11-11. Review status: criteria provided, single submitter. Criteria: Invitae Variant Classification Sherloc (09022015). Collection method: clinical testing. Allele origin: germline.
Comment: This sequence change affects a donor splice site in intron 10 of the STK4 gene. While this variant is not anticipated to result in nonsense mediated decay, it likely alters RNA splicing and results in a disrupted protein product. This variant is not present in population databases (gnomAD no frequency). This variant has not been reported in the literature in individuals affected with STK4-related conditions. ClinVar contains an entry for this variant (Variation ID: 1435823). Variants that disrupt the consensus splice site are a relatively common cause of aberrant splicing (PMID: 17576681, 9536098). Algorithms developed to predict the effect of sequence changes on RNA splicing suggest that this variant may disrupt the consensus splice site. In summary, the available evidence is currently insufficient to determine the role of this variant in disease. Therefore, it has been classified as a Variant of Uncertain Significance.

Literature cited by the submitters: PubMed 17576681; PubMed 9536098.

NM_006282.5(STK4):c.1305+1G>A

Gene: STK4 (serine/threonine kinase 4; plus strand). Cytogenetic location: 20q13.12.
Variant type: single nucleotide variant.
Coding change: c.1305+1G>A on transcript NM_006282.5 (MANE Select); the canonical splice donor site of the intron after coding-DNA position 1305, G replaced by A.
Molecular consequence: splice donor variant.
Genome position (GRCh38, 1-based): chr20:45,025,131, G>A. VCF-style: chr20-45025131-G-A. GRCh37 (hg19) VCF-style: chr20-43653772-G-A.
Other names: c.1305+1G>A (NM_001352385.2).
Identifiers: ClinVar variation 1435823 (VCV001435823.6), dbSNP rs2145383232, ClinGen allele CA409130381.
Genomic context (GRCh38, chr20:45,025,131, plus strand): 5'-CCTGGTCCACTGAAAAATTCTTCAGATTGGAAAATACCACAGGATGGAGACTACGAGTTT[G>A]TAAGTAGTGTTGGAAGTAAATGGTTATGTCTTCAGGGGAAGTTATTTGAAATATCACACA-3'